The following is an entry in ClinVar:

ClinVar aggregate classification (germline): Uncertain significance (1 of 4 stars; one submission).

Conditions:
Familial hemiplegic migraine. Identifiers: MedGen C0338484, MONDO:0000700.

Submission:

Labcorp Genetics (formerly Invitae), Labcorp
Classification: Uncertain significance for Familial hemiplegic migraine. Last evaluated: 2021-01-19. Review status: criteria provided, single submitter. Criteria: Invitae Variant Classification Sherloc (09022015). Collection method: clinical testing. Allele origin: germline.
Comment: This sequence change replaces aspartic acid with histidine at codon 808 of the ATP1A2 protein (p.Asp808His). The aspartic acid residue is highly conserved and there is a moderate physicochemical difference between aspartic acid and histidine. This variant is not present in population databases (ExAC no frequency). This variant has not been reported in the literature in individuals with ATP1A2-related conditions. Algorithms developed to predict the effect of missense changes on protein structure and function (SIFT, PolyPhen-2, Align-GVGD) all suggest that this variant is likely to be disruptive, but these predictions have not been confirmed by published functional studies and their clinical significance is uncertain. In summary, the available evidence is currently insufficient to determine the role of this variant in disease. Therefore, it has been classified as a Variant of Uncertain Significance.

NM_000702.4(ATP1A2):c.2422G>C (p.Asp808His)

Gene: ATP1A2 (ATPase Na+/K+ transporting subunit alpha 2; plus strand). Cytogenetic location: 1q23.2.
Variant type: single nucleotide variant.
Coding change: c.2422G>C on transcript NM_000702.4 (MANE Select); coding-DNA position 2422, G replaced by C.
Protein change: p.Asp808His; replaces aspartic acid 808 with histidine.
Molecular consequence: missense variant.
Genome position (GRCh38, 1-based): chr1:160,135,976, G>C. VCF-style: chr1-160135976-G-C. GRCh37 (hg19) VCF-style: chr1-160105766-G-C.
Other names: short protein forms D808H.
Identifiers: ClinVar variation 1019514 (VCV001019514.8), dbSNP rs1651923218, ClinGen allele CA343250859.